The following is an entry in ClinVar:

NM_002843.4(PTPRJ):c.773A>G (p.Asn258Ser)

Gene: PTPRJ (protein tyrosine phosphatase receptor type J; plus strand). Cytogenetic location: 11p11.2.
Variant type: single nucleotide variant.
Coding change: c.773A>G on transcript NM_002843.4 (MANE Select); coding-DNA position 773, A replaced by G.
Protein change: p.Asn258Ser; replaces asparagine 258 with serine.
Molecular consequence: missense variant.
Genome position (GRCh38, 1-based): chr11:48,123,769, A>G. VCF-style: chr11-48123769-A-G. GRCh37 (hg19) VCF-style: chr11-48145321-A-G.
Other names: c.773A>G, p.Asn258Ser (NM_001098503.2); short protein forms N258S.
Identifiers: ClinVar variation 4978822 (VCV004978822.1).

ClinVar aggregate classification (germline): Uncertain significance (1 of 4 stars; one submission).

Conditions:
PTPRJ-related disorder. Also called: PTPRJ-related condition.

gnomAD v4.1: 24 of 1,613,992 alleles (0.0015%); highest among the groups gnomAD compares: African/African-American, 0.0027%; 1 homozygote.

Submission:

PreventionGenetics, part of Exact Sciences
Classification: Uncertain significance for PTPRJ-related condition. Last evaluated: 2025-11-17. Review status: criteria provided, single submitter. Criteria: ACMG Guidelines, 2015. Collection method: clinical testing. Allele origin: germline.
Comment: The PTPRJ c.773A>G variant is predicted to result in the amino acid substitution p.Asn258Ser. To our knowledge, this variant has not been reported in the literature or in a large population database (gnomAD), indicating this variant is rare. At the time of reporting this variant is absent in ClinVar. At this time, the clinical significance of this variant is uncertain due to the absence of conclusive functional and genetic evidence.